The following is an entry in ClinVar:

NM_000124.4(ERCC6):c.1672G>A (p.Gly558Ser)

Gene: ERCC6 (ERCC excision repair 6, chromatin remodeling factor; minus strand). Cytogenetic location: 10q11.23.
Variant type: single nucleotide variant.
Coding change: c.1672G>A on transcript NM_000124.4 (MANE Select); coding-DNA position 1672, G replaced by A.
Protein change: p.Gly558Ser; replaces glycine 558 with serine.
Molecular consequence: missense variant.
Genome position (GRCh38, 1-based): chr10:49,500,551, C>T on the plus strand (G>A on the coding strand, the complement: ERCC6 is on the minus strand). VCF-style: chr10-49500551-C-T. GRCh37 (hg19) VCF-style: chr10-50708597-C-T.
Other names: c.1672G>A, p.Gly558Ser (NM_001346440.2); short protein forms G558S.
Identifiers: ClinVar variation 1491391 (VCV001491391.6), dbSNP rs2132575001, ClinGen allele CA376728578.
Genomic context (GRCh38, chr10:49,500,551, plus strand): 5'-ATATTAATTGAGCTCCACAGACTGACAGTCTGCAGAGGAGCACTTGCCTGTAATTTGAAC[C>T]ACGAGTCCTGATCTTGCTGTAGCTCAGACCTGCCAAGAAGGCAATTATCTGGATGGTCTT-3'
Protein context (NP_000115.1, residues 548-568): GLSYSKIRTR[Gly558Ser]SNYRFEGLGP

ClinVar aggregate classification (germline): Uncertain significance (1 of 4 stars; one submission).

Allele frequency attached by ClinVar (database versions not stated): gnomAD exomes below 0.00001.
gnomAD v4.1: 1 of 1,613,864 alleles (0.000062%); highest among the groups gnomAD compares: Non-Finnish European, 0.000085%; no homozygotes.

Submission:

Labcorp Genetics (formerly Invitae), Labcorp
Classification: Uncertain significance. Last evaluated: 2022-06-05. Review status: criteria provided, single submitter. Criteria: Invitae Variant Classification Sherloc (09022015). Collection method: clinical testing. Allele origin: germline.
Comment: This variant is not present in population databases (gnomAD no frequency). This sequence change replaces glycine, which is neutral and non-polar, with serine, which is neutral and polar, at codon 558 of the ERCC6 protein (p.Gly558Ser). This variant has not been reported in the literature in individuals affected with ERCC6-related conditions. In summary, the available evidence is currently insufficient to determine the role of this variant in disease. Therefore, it has been classified as a Variant of Uncertain Significance. Algorithms developed to predict the effect of missense changes on protein structure and function (SIFT, PolyPhen-2, Align-GVGD) all suggest that this variant is likely to be disruptive. ClinVar contains an entry for this variant (Variation ID: 1491391).